The following is an entry in ClinVar:

ClinVar aggregate classification (germline): Uncertain significance. Review status: criteria provided, multiple submitters, no conflicts (2 of 4 stars). 3 submissions from 3 submitters: Uncertain significance (3). Last evaluated 2024-07-14.

Conditions:
Hyper-IgE recurrent infection syndrome 5, autosomal recessive. Also called: HYPER-IgE SYNDROME 5, AUTOSOMAL RECESSIVE, WITH RECURRENT INFECTIONS. Identifiers: MedGen C5394550, MONDO:0030069, OMIM 618944.

Allele frequency attached by ClinVar (database versions not stated): gnomAD 0.00002; gnomAD exomes 0.00003 and 0.00005; ExAC 0.00004; TOPMed 0.00006.

Submissions (3):

Ambry Genetics
Classification: Uncertain significance. Last evaluated: 2024-07-14. Review status: criteria provided, single submitter. Criteria: Ambry Variant Classification Scheme 2023. Collection method: clinical testing. Allele origin: germline.

Labcorp Genetics (formerly Invitae), Labcorp
Classification: Uncertain significance. Last evaluated: 2022-11-15. Review status: criteria provided, single submitter. Criteria: Invitae Variant Classification Sherloc (09022015). Collection method: clinical testing. Allele origin: germline.
Comment: In summary, the available evidence is currently insufficient to determine the role of this variant in disease. Therefore, it has been classified as a Variant of Uncertain Significance. Algorithms developed to predict the effect of missense changes on protein structure and function are either unavailable or do not agree on the potential impact of this missense change (SIFT: "Tolerated"; PolyPhen-2: "Probably Damaging"; Align-GVGD: "Class C0"). ClinVar contains an entry for this variant (Variation ID: 1356226). This variant has not been reported in the literature in individuals affected with IL6R-related conditions. This variant is present in population databases (rs757025871, gnomAD 0.02%). This sequence change replaces valine, which is neutral and non-polar, with methionine, which is neutral and non-polar, at codon 43 of the IL6R protein (p.Val43Met).

Laboratorio de Genetica e Diagnostico Molecular, Hospital Israelita Albert Einstein
Classification: Uncertain significance for Hyper-IgE recurrent infection syndrome 5, autosomal recessive. Last evaluated: 2022-01-24. Review status: criteria provided, single submitter. Criteria: ACMG Guidelines, 2015. Collection method: clinical testing. Allele origin: germline. Affected: yes.
Comment: ACMG classification criteria: PM2 moderate, BP4 supporting

NM_000565.4(IL6R):c.127G>A (p.Val43Met)

Gene: IL6R (interleukin 6 receptor; plus strand). Cytogenetic location: 1q21.3.
Variant type: single nucleotide variant.
Coding change: c.127G>A on transcript NM_000565.4 (MANE Select); coding-DNA position 127, G replaced by A.
Protein change: p.Val43Met; replaces valine 43 with methionine.
Molecular consequence: missense variant. On other transcripts: splice donor variant (1).
Genome position (GRCh38, 1-based): chr1:154,429,237, G>A. VCF-style: chr1-154429237-G-A. GRCh37 (hg19) VCF-style: chr1-154401713-G-A.
Other names: c.127G>A, p.Val43Met (NM_001206866.2, NM_001382769.1, NM_001382770.1 and 4 more transcripts); c.126+1G>A (NM_001382774.1); c.127G>A (NM_000565.3); short protein forms V43M.
Identifiers: ClinVar variation 1356226 (VCV001356226.7), dbSNP rs757025871, ClinGen allele CA1128926.